The following is an entry in ClinVar:

NM_001242896.3(DEPDC5):c.1567G>A (p.Asp523Asn)

Gene: DEPDC5 (DEP domain containing 5, GATOR1 subcomplex subunit; plus strand). Cytogenetic location: 22q12.3.
Variant type: single nucleotide variant.
Coding change: c.1567G>A on transcript NM_001242896.3 (MANE Select); coding-DNA position 1567, G replaced by A.
Protein change: p.Asp523Asn; replaces aspartic acid 523 with asparagine.
Molecular consequence: missense variant. On other transcripts: non-coding transcript variant (5).
Genome position (GRCh38, 1-based): chr22:31,815,113, G>A. VCF-style: chr22-31815113-G-A. GRCh37 (hg19) VCF-style: chr22-32211099-G-A.
Other names: c.1567G>A, p.Asp523Asn (NM_001242897.2, NM_001363852.2, NM_001363854.2 and 7 more transcripts); c.1483G>A, p.Asp495Asn (NM_001369901.1, NM_001369902.1); short protein forms D495N, D523N.
Identifiers: ClinVar variation 2653080 (VCV002653080.25), dbSNP rs1160535755, ClinGen allele CA411278344.
Genomic context (GRCh38, chr22:31,815,113, plus strand): 5'-AGCCCTTCCCTACCAAGCCGCACACTGCCCACTGAGGAAGTGAGGAGCCAGGCTTCTGAC[G>A]ACAGCTCCCTAGGCAAGAGTGCCAACATCCTGATGATCCCACACCCCCACCTGCACCAGT-3'
Protein context (NP_001229825.1, residues 513-533): TEEVRSQASD[Asp523Asn]SSLGKSANIL

ClinVar aggregate classification (germline): Conflicting classifications of pathogenicity. Review status: criteria provided, conflicting classifications (1 of 4 stars). 2 submissions from 2 submitters: Uncertain significance (1); Likely benign (1). Last evaluated 2025-12-13.

Conditions:
Familial focal epilepsy with variable foci (FPEVF). Identifiers: Orphanet 98820, MedGen C1858477, MONDO:0020310.

Allele frequency attached by ClinVar (database versions not stated): gnomAD exomes 0.00001; TOPMed 0.00001.
gnomAD v4.1: 16 of 1,614,176 alleles (0.00099%); highest among the groups gnomAD compares: Non-Finnish European, 0.0014%; no homozygotes.

Submissions (2):

Labcorp Genetics (formerly Invitae), Labcorp
Classification: Uncertain significance for Familial focal epilepsy with variable foci. Last evaluated: 2025-12-13. Review status: criteria provided, single submitter. Criteria: Invitae Variant Classification Sherloc (09022015). Collection method: clinical testing. Allele origin: germline.
Comment: This sequence change replaces aspartic acid, which is acidic and polar, with asparagine, which is neutral and polar, at codon 523 of the DEPDC5 protein (p.Asp523Asn). This variant is present in population databases (no rsID available, gnomAD 0.0009%). This variant has not been reported in the literature in individuals affected with DEPDC5-related conditions. ClinVar contains an entry for this variant (Variation ID: 2653080). Experimental studies and prediction algorithms are not available or were not evaluated, and the functional significance of this variant is currently unknown. In summary, the available evidence is currently insufficient to determine the role of this variant in disease. Therefore, it has been classified as a Variant of Uncertain Significance.

CeGaT Center for Human Genetics Tuebingen
Classification: Likely benign. Last evaluated: 2023-04-01. Review status: criteria provided, single submitter. Criteria: CeGaT Center For Human Genetics Tuebingen Variant Classification Criteria Version 2. Collection method: clinical testing. Allele origin: germline. Affected: yes. Observed: 1 variant allele.
Comment: DEPDC5: BP5